The following is an entry in ClinVar:

NM_017675.6(CDHR2):c.2703G>A (p.Thr901=)

Gene: CDHR2 (cadherin related family member 2; plus strand). Cytogenetic location: 5q35.2.
Variant type: single nucleotide variant.
Coding change: c.2703G>A on transcript NM_017675.6 (MANE Select); coding-DNA position 2703, G replaced by A.
Protein change: p.Thr901=; no amino-acid change (threonine 901 retained).
Molecular consequence: synonymous variant.
Genome position (GRCh38, 1-based): chr5:176,584,984, G>A. VCF-style: chr5-176584984-G-A. GRCh37 (hg19) VCF-style: chr5-176011985-G-A.
Other names: c.2703G>A, p.Thr901= (NM_001171976.2).
Identifiers: ClinVar variation 2656093 (VCV002656093.24), dbSNP rs753338971, ClinGen allele CA3570984.

ClinVar aggregate classification (germline): Likely benign (1 of 4 stars; one submission).

Allele frequency attached by ClinVar (database versions not stated): gnomAD 0.00002; gnomAD exomes 0.00002; TOPMed 0.00002; ExAC 0.00004.
gnomAD v4.1: 39 of 1,550,222 alleles (0.0025%); highest among the groups gnomAD compares: South Asian, 0.02%; no homozygotes.

Submission:

CeGaT Center for Human Genetics Tuebingen
Classification: Likely benign. Last evaluated: 2022-11-01. Review status: criteria provided, single submitter. Criteria: CeGaT Center For Human Genetics Tuebingen Variant Classification Criteria Version 2. Collection method: clinical testing. Allele origin: germline. Affected: yes. Observed: 1 variant allele.
Comment: CDHR2: BP4, BP7